The following is an entry in ClinVar:

NM_004612.4(TGFBR1):c.1131-11A>T

Gene: TGFBR1 (transforming growth factor beta receptor 1; plus strand). Cytogenetic location: 9q22.33.
Variant type: single nucleotide variant.
Coding change: c.1131-11A>T on transcript NM_004612.4 (MANE Select); 11 bases into the intron before coding-DNA position 1131, A replaced by T.
Molecular consequence: intron variant.
Genome position (GRCh38, 1-based): chr9:99,146,474, A>T. VCF-style: chr9-99146474-A-T. GRCh37 (hg19) VCF-style: chr9-101908756-A-T.
Other names: c.1143-11A>T (NM_001306210.2); c.900-11A>T (NM_001130916.3).
Identifiers: ClinVar variation 2000212 (VCV002000212.5), dbSNP rs2118826261, ClinGen allele CA2580080864.

ClinVar aggregate classification (germline): Conflicting classifications of pathogenicity. Review status: criteria provided, conflicting classifications (1 of 4 stars). 2 submissions from 2 submitters: Uncertain significance (1); Likely benign (1). Last evaluated 2024-06-01.

Conditions:
Loeys-Dietz syndrome (LDS). Identifiers: Orphanet 60030, MedGen C2697932, MONDO:0018954.
Familial thoracic aortic aneurysm and aortic dissection (TAAD). Also called: Thoracic aortic aneurysms and dissections. Identifiers: Orphanet 91387, MedGen C4707243, MONDO:0019625.

Allele frequency attached by ClinVar (database versions not stated): gnomAD exomes below 0.00001.

Submissions (2):

Labcorp Genetics (formerly Invitae), Labcorp
Classification: Likely benign for Familial thoracic aortic aneurysm and aortic dissection. Last evaluated: 2024-06-01. Review status: criteria provided, single submitter. Criteria: Invitae Variant Classification Sherloc (09022015). Collection method: clinical testing. Allele origin: germline.

All of Us Research Program, National Institutes of Health
Classification: Uncertain significance for Loeys-Dietz syndrome. Last evaluated: 2023-08-15. Review status: criteria provided, single submitter. Criteria: ACMG Guidelines, 2015. Collection method: clinical testing. Allele origin: germline. Inheritance: Autosomal dominant inheritance. Observed: 1 variant allele, 1 heterozygote.
Comment: This variant causes an A to T nucleotide substitution at the -11 position of intron 6 of the TGFBR1 gene. To our knowledge, functional studies have not been reported for this variant. This variant has not been reported in individuals affected with TGFBR1-related disorders in the literature. This variant has not been identified in the general population by the Genome Aggregation Database (gnomAD). The available evidence is insufficient to determine the role of this variant in disease conclusively. Therefore, this variant is classified as a Variant of Uncertain Significance.

This study involves interpretation of variants in research participants for the purpose of population health screening. Participant phenotype was not available at the time of variant classification. Additional details can be found in publication PMID: 35346344, PMCID: PMC8962531